The following is an entry in ClinVar:

NM_003000.3(SDHB):c.142G>A (p.Asp48Asn)

Gene: SDHB (succinate dehydrogenase complex iron sulfur subunit B; minus strand). Cytogenetic location: 1p36.13.
Variant type: single nucleotide variant.
Coding change: c.142G>A on transcript NM_003000.3 (MANE Select); coding-DNA position 142, G replaced by A.
Protein change: p.Asp48Asn; replaces aspartic acid 48 with asparagine.
Molecular consequence: missense variant.
Genome position (GRCh38, 1-based): chr1:17,044,819, C>T on the plus strand (G>A on the coding strand, the complement: SDHB is on the minus strand). VCF-style: chr1-17044819-C-T. GRCh37 (hg19) VCF-style: chr1-17371314-C-T.
Other names: short protein forms D48N.
Identifiers: ClinVar variation 845863 (VCV000845863.16), dbSNP rs2078100198, ClinGen allele CA338228044.
Genomic context (GRCh38, chr1:17,044,819, plus strand): 5'-ACTTATTAAGGTCAACTTCATAAGTCTGCATATGAGGTTTGTCTCCAGCCTTGTCTGGGT[C>T]CCATCGATAGATGGCAAATTTCTTGATACGGGGAGCTGTGGCTGCAGCTGTCTGGGCTCC-3'
Protein context (NP_002991.2, residues 38-58): RIKKFAIYRW[Asp48Asn]PDKAGDKPHM

ClinVar aggregate classification (germline): Uncertain significance (1 of 4 stars; one submission).

Conditions:
Pheochromocytoma/paraganglioma syndrome 4. Also called: CAROTID BODY TUMORS AND MULTIPLE EXTRAADRENAL PHEOCHROMOCYTOMAS; SDHB-Related Hereditary Paraganglioma-Pheochromocytoma Syndrome (Paragangliomas 4); SDHB-Related Hereditary Paraganglioma-Pheochromocytoma Syndrome; PARAGANGLIOMA, FAMILIAL MALIGNANT; PARAGANGLIOMAS, HEREDITARY EXTRAADRENAL; PHEOCHROMOCYTOMA, FAMILIAL EXTRAADRENAL. Identifiers: Orphanet 29072, MedGen C1861848, MONDO:0007273, OMIM 115310.
Gastrointestinal stromal tumor. Also called: Gastrointestinal stromal tumor, somatic; Gastrointestinal stroma tumor. Identifiers: Orphanet 44890, MedGen C0238198, MeSH D046152, MONDO:0011719, OMIM 606764, HP:0100723.
Pheochromocytoma. Also called: MAX-Related Hereditary Paraganglioma-Pheochromocytoma Syndrome. Identifiers: Orphanet 29072, MedGen C0031511, MONDO:0008233, OMIM 171300, HP:0002666.

Submission:

Labcorp Genetics (formerly Invitae), Labcorp
Classification: Uncertain significance for Gastrointestinal stromal tumor; Pheochromocytoma/paraganglioma syndrome 4; Pheochromocytoma. Last evaluated: 2019-12-12. Review status: criteria provided, single submitter. Criteria: Invitae Variant Classification Sherloc (09022015). Collection method: clinical testing. Allele origin: germline.
Comment: This sequence change replaces aspartic acid with asparagine at codon 48 of the SDHB protein (p.Asp48Asn). The aspartic acid residue is moderately conserved and there is a small physicochemical difference between aspartic acid and asparagine. In summary, the available evidence is currently insufficient to determine the role of this variant in disease. Therefore, it has been classified as a Variant of Uncertain Significance. Algorithms developed to predict the effect of missense changes on protein structure and function (SIFT, PolyPhen-2, Align-GVGD) all suggest that this variant is likely to be tolerated, but these predictions have not been confirmed by published functional studies and their clinical significance is uncertain. This variant has not been reported in the literature in individuals with SDHB-related conditions. This variant is not present in population databases (ExAC no frequency).